The following is an entry in ClinVar:

NM_020771.4(HACE1):c.2475_2477del (p.Glu827del)

Gene: HACE1 (HECT domain and ankyrin repeat containing E3 ubiquitin protein ligase 1; minus strand). Cytogenetic location: 6q16.3.
Variant type: Deletion.
Coding change: c.2475_2477del on transcript NM_020771.4 (MANE Select); coding-DNA positions 2475 to 2477, 3 bases deleted (AGA; older notation c.2475_2477delAGA).
Protein change: p.Glu827del; deletes glutamic acid 827.
Molecular consequence: inframe deletion. On other transcripts: non-coding transcript variant (7).
Genome position (GRCh38, 1-based): chr6:104,744,196-104,744,198, TCT deleted on the plus strand (AGA on the coding strand, the reverse complement: HACE1 is on the minus strand); deleting any 3 consecutive bases within chr6:104,744,196-104,744,199 gives the same sequence; the c. name uses the placement nearest the transcript's 3' end. VCF-style (leftmost placement, unchanged base first): chr6-104744195-CTCT-C. GRCh37 (hg19) VCF-style: chr6-105192070-CTCT-C.
Other names: c.2343_2345del, p.Glu783del (NM_001321080.2); c.2373_2375del, p.Glu793del (NM_001321083.2); c.1971_1973del, p.Glu659del (NM_001321084.2, NM_001350557.2, NM_001350558.2); c.2241_2243del, p.Glu749del (NM_001350554.2); c.2184_2186del, p.Glu730del (NM_001350555.2); c.1989_1991del, p.Glu665del (NM_001350556.2); c.1893_1895del, p.Glu633del (NM_001350559.2); c.1692_1694del, p.Glu566del (NM_001350560.2); short protein forms E566del, E633del, E659del, E665del, E730del, E749del, E783del, E793del.
Identifiers: ClinVar variation 4813343 (VCV004813343.1).

ClinVar aggregate classification (germline): Likely pathogenic (1 of 4 stars; one submission).

Conditions:
Spastic paraplegia-severe developmental delay-epilepsy syndrome. Also called: Spastic paraplegia and psychomotor retardation with or without seizures. Identifiers: Orphanet 464282, MedGen C4225215, MONDO:0014764, OMIM 616756.

Submission:

Groupe Hospitalier Pitie Salpetriere, Uf Genomique Du Developpement, Assistance Publique Hopitaux de Paris Sorbonne Université
Classification: Likely pathogenic for Spastic paraplegia-severe developmental delay-epilepsy syndrome. Last evaluated: 2023-06-01. Review status: criteria provided, single submitter. Criteria: ACMG Guidelines, 2015. Collection method: clinical testing. Allele origin: germline. Affected: yes.
Comment: This variant is absent or extremely rare in population databases (PM2_supp), for recessive disorders detected in trans with a pathogenic variant (PM3), protein length changes due to in frame deletions insertions or stop loss variants (PM4) and the patients phenotype or family history is highly specific for a disease with a single genetic etiology (PP4)